The following is an entry in ClinVar:

ClinVar aggregate classification (germline): Likely pathogenic. Review status: criteria provided, multiple submitters, no conflicts (2 of 4 stars). 3 submissions from 3 submitters: Likely pathogenic (2). 1 of the submissions does not count toward it. Last evaluated 2025-04-30.

Conditions:
Cholestasis, progressive familial intrahepatic, 7, with or without hearing loss. Identifiers: MedGen C5562043, MONDO:0030503, OMIM 619658.
USP53-related disorder. Also called: USP53-related condition.

Submissions (3):

Revvity Omics, Revvity
Classification: Likely pathogenic for Cholestasis, progressive familial intrahepatic, 7, with or without hearing loss. Last evaluated: 2025-04-30. Review status: criteria provided, single submitter. Criteria: ACMG Guidelines, 2015. Collection method: clinical testing. Allele origin: germline.

Genomic Medicine Center of Excellence, King Faisal Specialist Hospital and Research Centre
Classification: Likely pathogenic for Cholestasis, progressive familial intrahepatic, 7, with or without hearing loss. Last evaluated: 2024-03-25. Review status: criteria provided, single submitter. Criteria: ACMG Guidelines, 2015. Collection method: research. Allele origin: germline.

PreventionGenetics, part of Exact Sciences
Classification: Likely pathogenic for USP53-related condition. Last evaluated: 2024-03-26. Review status: no assertion criteria provided. Collection method: clinical testing. Allele origin: germline. Not counted in ClinVar's aggregate classification.
Comment: The USP53 c.145-10_168del34 variant is predicted to result in a frameshift and premature protein termination (p.Val49Profs*41). To our knowledge, this variant has not been reported in the literature or in a large population database, indicating this variant is rare. Frameshift variants in USP53 are expected to be pathogenic. This variant is interpreted as likely pathogenic.

NM_001371395.1(USP53):c.145-10_168del

Gene: USP53 (ubiquitin specific peptidase 53; plus strand). Cytogenetic location: 4q26.
Variant type: Deletion.
Coding change: c.145-10_168del on transcript NM_001371395.1 (MANE Select); 10 bases into the intron before coding-DNA position 145 through coding-DNA position 168, 34 bases deleted.
Molecular consequence: splice acceptor variant.
Genome position (GRCh38, 1-based): chr4:119,245,327-119,245,360, 34 bases deleted; deleting any 34 consecutive bases within chr4:119,245,326-119,245,360 gives the same sequence; the c. name uses the placement nearest the transcript's 3' end. GRCh37 (hg19): chr4:120,166,482-120,166,515.
Other names: c.145-10_168del (NM_019050.2, NM_019050.3, NM_001389661.1 and 7 more transcripts); c.145-10_168del34 (NM_019050.2); c.-204-10_-181del (NM_001389663.1, NM_001389667.1, NM_001389664.1 and 3 more transcripts).
Identifiers: ClinVar variation 3064438 (VCV003064438.4), dbSNP rs2530264975, ClinGen allele CA2740091563.